The following is an entry in ClinVar:

ClinVar aggregate classification (germline): Likely benign. Review status: criteria provided, multiple submitters, no conflicts (2 of 4 stars). 2 submissions from 2 submitters: Likely benign (2). Last evaluated 2017-10-12.

Conditions:
Hereditary cancer-predisposing syndrome. Also called: Hereditary neoplastic syndrome; Hereditary Cancer Syndrome; Neoplastic Syndromes, Hereditary; Tumor predisposition. Identifiers: Orphanet 140162, MedGen C0027672, MeSH D009386, MONDO:0015356.

Submissions (2):

Color Diagnostics, LLC DBA Color Health
Classification: Likely benign for Hereditary cancer-predisposing syndrome. Last evaluated: 2017-10-12. Review status: criteria provided, single submitter. Criteria: ACMG Guidelines, 2015. Collection method: clinical testing. Allele origin: germline.

GeneDx
Classification: Likely benign. Last evaluated: 2017-05-02. Review status: criteria provided, single submitter. Criteria: GeneDx Variant Classification (06012015). Collection method: clinical testing. Allele origin: germline. Affected: yes.
Comment: This variant is considered likely benign or benign based on one or more of the following criteria: it is a conservative change, it occurs at a poorly conserved position in the protein, it is predicted to be benign by multiple in silico algorithms, and/or has population frequency not consistent with disease.

NM_032043.3(BRIP1):c.2492+19_2492+24delinsT

Gene: BRIP1 (BRCA1 interacting DNA helicase 1; minus strand). Cytogenetic location: 17q23.2.
Variant type: Indel.
Coding change: c.2492+19_2492+24delinsT on transcript NM_032043.3 (MANE Select); bases 19 to 24 of the intron after coding-DNA position 2492, AATATA replaced by T.
Molecular consequence: intron variant.
Genome position (GRCh38, 1-based): chr17:61,715,927-61,715,932, TATATT replaced by A on the plus strand (AATATA replaced by T on the coding strand, the reverse complement: BRIP1 is on the minus strand). VCF-style: chr17-61715927-TATATT-A. GRCh37 (hg19) VCF-style: chr17-59793288-TATATT-A.
Other names: c.2492+19_2492+24delAATATAinsT (NM_032043.2).
Identifiers: ClinVar variation 509320 (VCV000509320.3), dbSNP rs1555580746, ClinGen allele CA658798926.
Genomic context (GRCh38, chr17:61,715,927, plus strand): 5'-ATTATAAAGAGTAAAGTAGCAAGACTAGATTTATATATATAGCCCTGTCACAGATAATAT[TATATT>A]AAATTTCACTCCACTTACCTACCAAGGGCCTGGTTTAAGGCCCTGTATGCTTGAATTTCA-3'